The following is an entry in ClinVar:

ClinVar aggregate classification (germline): Uncertain significance (1 of 4 stars; one submission).

Conditions:
Charcot-Marie-Tooth disease type 4. Also called: Charcot-Marie-Tooth disease, type IV; Charcot-Marie-Tooth, Type 4. Identifiers: Orphanet 64749, MedGen C4082197, MONDO:0018995.

Submission:

Labcorp Genetics (formerly Invitae), Labcorp
Classification: Uncertain significance for Charcot-Marie-Tooth disease type 4. Last evaluated: 2022-10-14. Review status: criteria provided, single submitter. Criteria: Invitae Variant Classification Sherloc (09022015). Collection method: clinical testing. Allele origin: germline.
Comment: A copy number gain of the genomic region encompassing the full coding sequence of the NDRG1 gene has been identified. The boundaries of this event are unknown as they extend beyond the assayed region for this gene and therefore may encompass additional genes. As the precise location of this event is unknown, it may be in tandem or it may be located elsewhere in the genome. This variant has not been reported in the literature in individuals affected with NDRG1-related conditions. Experimental studies and prediction algorithms are not available or were not evaluated, and the functional significance of this variant is currently unknown. In summary, the available evidence is currently insufficient to determine the role of this variant in disease. Therefore, it has been classified as a Variant of Uncertain Significance.

NC_000008.10:g.(?_134251121)_(134296554_?)dup

Gene: NDRG1 (N-myc downstream regulated 1; minus strand). Cytogenetic location: 8q24.22.
Variant type: Duplication.
Identifiers: ClinVar variation 2425512 (VCV002425512.3).